The following is an entry in ClinVar:

NM_020435.4(GJC2):c.647A>G (p.Gln216Arg)

Gene: GJC2 (gap junction protein gamma 2; plus strand). Cytogenetic location: 1q42.13.
Variant type: single nucleotide variant.
Coding change: c.647A>G on transcript NM_020435.4 (MANE Select); coding-DNA position 647, A replaced by G.
Protein change: p.Gln216Arg; replaces glutamine 216 with arginine.
Molecular consequence: missense variant.
Genome position (GRCh38, 1-based): chr1:228,158,405, A>G. VCF-style: chr1-228158405-A-G. GRCh37 (hg19) VCF-style: chr1-228346106-A-G.
Other names: c.647A>G (NM_020435.3); short protein forms Q216R.
Identifiers: ClinVar variation 2505265 (VCV002505265.3), dbSNP rs2527876834, ClinGen allele CA345098880.

ClinVar aggregate classification (germline): Uncertain significance. Review status: criteria provided, multiple submitters, no conflicts (2 of 4 stars). 3 submissions from 3 submitters: Uncertain significance (3). Last evaluated 2026-03-04.

Conditions:
Inborn genetic diseases. Identifiers: MedGen C0950123, MeSH D030342.

Submissions (3):

Ambry Genetics
Classification: Uncertain significance for Inborn genetic diseases. Last evaluated: 2026-03-04. Review status: criteria provided, single submitter. Criteria: Ambry Variant Classification Scheme 2023. Collection method: clinical testing. Allele origin: germline.
Comment: The c.647A>G (p.Q216R) alteration is located in exon 2 (coding exon 1) of the GJC2 gene. This alteration results from a A to G substitution at nucleotide position 647, causing the glutamine (Q) at amino acid position 216 to be replaced by an arginine (R). This variant was not reported in population-based cohorts in the Genome Aggregation Database (gnomAD). This amino acid position is highly conserved in available vertebrate species. This alteration is predicted to be deleterious by in silico analysis. Based on insufficient or conflicting evidence, the clinical significance of this alteration remains unclear.

GeneDx
Classification: Uncertain significance. Last evaluated: 2025-04-25. Review status: criteria provided, single submitter. Criteria: GeneDx Variant Classification Process June 2021. Collection method: clinical testing. Allele origin: germline. Affected: yes.
Comment: Not observed at significant frequency in large population cohorts (gnomAD); In silico analysis supports that this missense variant has a deleterious effect on protein structure/function; Has not been previously published as pathogenic or benign to our knowledge

Greenwood Genetic Center Diagnostic Laboratories, Greenwood Genetic Center
Classification: Uncertain significance. Last evaluated: 2023-02-03. Review status: criteria provided, single submitter. Criteria: ACMG Guidelines, 2015. Collection method: clinical testing. Allele origin: germline. Affected: yes.
Comment: PM2, PM3_supporting, PP3